The following is an entry in ClinVar:

NM_144670.6(A2ML1):c.68A>G (p.Tyr23Cys)

Genes: A2ML1 (alpha-2-macroglobulin like 1; plus strand), A2ML1-AS1 (A2ML1 antisense RNA 1; minus strand). Cytogenetic location: 12p13.31.
Variant type: single nucleotide variant.
Coding change: c.68A>G on transcript NM_144670.6 (MANE Select); coding-DNA position 68, A replaced by G.
Protein change: p.Tyr23Cys; replaces tyrosine 23 with cysteine.
Molecular consequence: missense variant.
Genome position (GRCh38, 1-based): chr12:8,823,187, A>G. VCF-style: chr12-8823187-A-G. GRCh37 (hg19) VCF-style: chr12-8975783-A-G.
Other names: c.68A>G (NM_144670.5); short protein forms Y23C.
Identifiers: ClinVar variation 654693 (VCV000654693.11), dbSNP rs750524549, ClinGen allele CA6435161.

ClinVar aggregate classification (germline): Conflicting classifications of pathogenicity. Review status: criteria provided, conflicting classifications (1 of 4 stars). 3 submissions from 3 submitters: Uncertain significance (2); Likely benign (1). Last evaluated 2026-01-31.

Allele frequency attached by ClinVar (database versions not stated): ExAC 0.00004; gnomAD exomes 0.00005; gnomAD 0.00019 and 0.00020; TOPMed 0.00020; 1000 Genomes Project 30x 0.00031; 1000 Genomes Project 0.00040.
gnomAD v4.1: 47 of 1,613,278 alleles (0.0029%); highest among the groups gnomAD compares: African/African-American, 0.056%; 1 homozygote.

Submissions (3):

Labcorp Genetics (formerly Invitae), Labcorp
Classification: Uncertain significance. Last evaluated: 2026-01-31. Review status: criteria provided, single submitter. Criteria: Invitae Variant Classification Sherloc (09022015). Collection method: clinical testing. Allele origin: germline.
Comment: This sequence change replaces tyrosine, which is neutral and polar, with cysteine, which is neutral and slightly polar, at codon 23 of the A2ML1 protein (p.Tyr23Cys). This variant is present in population databases (rs750524549, gnomAD 0.08%), and has an allele count higher than expected for a pathogenic variant. This variant has not been reported in the literature in individuals affected with A2ML1-related conditions. ClinVar contains an entry for this variant (Variation ID: 654693). An algorithm developed to predict the effect of missense changes on protein structure and function (PolyPhen-2) suggests that this variant is likely to be disruptive. In summary, the available evidence is currently insufficient to determine the role of this variant in disease. Therefore, it has been classified as a Variant of Uncertain Significance.

Ambry Genetics
Classification: Uncertain significance. Last evaluated: 2025-08-08. Review status: criteria provided, single submitter. Criteria: Ambry Variant Classification Scheme 2023. Collection method: clinical testing. Allele origin: germline.

Women's Health and Genetics/Laboratory Corporation of America, LabCorp
Classification: Likely benign. Last evaluated: 2023-04-23. Review status: criteria provided, single submitter. Criteria: LabCorp Variant Classification Summary - May 2015. Collection method: clinical testing. Allele origin: germline.